The following is an entry in ClinVar:

NM_001379291.1(BRD4):c.4013G>A (p.Arg1338Gln)

Gene: BRD4 (bromodomain containing 4; minus strand). Cytogenetic location: 19p13.12.
Variant type: single nucleotide variant.
Coding change: c.4013G>A on transcript NM_001379291.1 (MANE Select); coding-DNA position 4013, G replaced by A.
Protein change: p.Arg1338Gln; replaces arginine 1338 with glutamine.
Molecular consequence: missense variant.
Genome position (GRCh38, 1-based): chr19:15,238,750, C>T on the plus strand (G>A on the coding strand, the complement: BRD4 is on the minus strand). VCF-style: chr19-15238750-C-T. GRCh37 (hg19) VCF-style: chr19-15349561-C-T.
Other names: c.4013G>A, p.Arg1338Gln (NM_058243.3); short protein forms R1338Q.
Identifiers: ClinVar variation 4760343 (VCV004760343.1).

ClinVar aggregate classification (germline): Uncertain significance (1 of 4 stars; one submission).

gnomAD v4.1: 29 of 1,544,360 alleles (0.0019%); highest among the groups gnomAD compares: Non-Finnish European, 0.0025%; no homozygotes.

Submission:

Labcorp Genetics (formerly Invitae), Labcorp
Classification: Uncertain significance. Last evaluated: 2025-08-31. Review status: criteria provided, single submitter. Criteria: Invitae Variant Classification Sherloc (09022015). Collection method: clinical testing. Allele origin: germline.
Comment: This sequence change replaces arginine, which is basic and polar, with glutamine, which is neutral and polar, at codon 1338 of the BRD4 protein (p.Arg1338Gln). This variant is not present in population databases (gnomAD no frequency). This variant has not been reported in the literature in individuals affected with BRD4-related conditions. An algorithm developed to predict the effect of missense changes on protein structure and function (PolyPhen-2) suggests that this variant is likely to be tolerated. In summary, the available evidence is currently insufficient to determine the role of this variant in disease. Therefore, it has been classified as a Variant of Uncertain Significance.